The following is an entry in ClinVar:

NM_004655.4(AXIN2):c.661G>T (p.Val221Leu)

Gene: AXIN2 (axin 2; minus strand). Cytogenetic location: 17q24.1.
Variant type: single nucleotide variant.
Coding change: c.661G>T on transcript NM_004655.4 (MANE Select); coding-DNA position 661, G replaced by T.
Protein change: p.Val221Leu; replaces valine 221 with leucine.
Molecular consequence: missense variant.
Genome position (GRCh38, 1-based): chr17:65,557,960, C>A on the plus strand (G>T on the coding strand, the complement: AXIN2 is on the minus strand). VCF-style: chr17-65557960-C-A. GRCh37 (hg19) VCF-style: chr17-63554078-C-A.
Other names: c.661G>T (LRG_296t1); c.661G>T, p.Val221Leu (NM_001363813.1); short protein forms V221L.
Identifiers: ClinVar variation 580608 (VCV000580608.10), dbSNP rs1402235122, ClinGen allele CA400680546.

ClinVar aggregate classification (germline): Uncertain significance. Review status: criteria provided, multiple submitters, no conflicts (2 of 4 stars). 3 submissions from 3 submitters: Uncertain significance (3). Last evaluated 2025-08-17.

Conditions:
Oligodontia-cancer predisposition syndrome. Also called: TOOTH AGENESIS-COLORECTAL CANCER SYNDROME. Identifiers: Orphanet 300576, MedGen C1837750, MONDO:0012075, OMIM 608615. Disease mechanism: loss of function.
Hereditary cancer-predisposing syndrome. Also called: Neoplastic Syndromes, Hereditary; Tumor predisposition; Hereditary neoplastic syndrome; Hereditary Cancer Syndrome. Identifiers: Orphanet 140162, MedGen C0027672, MeSH D009386, MONDO:0015356.

Submissions (3):

Labcorp Genetics (formerly Invitae), Labcorp
Classification: Uncertain significance for Oligodontia-cancer predisposition syndrome. Last evaluated: 2025-08-17. Review status: criteria provided, single submitter. Criteria: Invitae Variant Classification Sherloc (09022015). Collection method: clinical testing. Allele origin: germline.
Comment: This sequence change replaces valine, which is neutral and non-polar, with leucine, which is neutral and non-polar, at codon 221 of the AXIN2 protein (p.Val221Leu). This variant is not present in population databases (gnomAD no frequency). This variant has not been reported in the literature in individuals affected with AXIN2-related conditions. ClinVar contains an entry for this variant (Variation ID: 580608). Invitae Evidence Modeling of protein sequence and biophysical properties (such as structural, functional, and spatial information, amino acid conservation, physicochemical variation, residue mobility, and thermodynamic stability) indicates that this missense variant is not expected to disrupt AXIN2 protein function with a negative predictive value of 80%. In summary, the available evidence is currently insufficient to determine the role of this variant in disease. Therefore, it has been classified as a Variant of Uncertain Significance.

Ambry Genetics
Classification: Uncertain significance for Hereditary cancer-predisposing syndrome. Last evaluated: 2025-05-31. Review status: criteria provided, single submitter. Criteria: Ambry Variant Classification Scheme 2023. Collection method: clinical testing. Allele origin: germline.
Comment: The p.V221L variant (also known as c.661G>T), located in coding exon 1 of the AXIN2 gene, results from a G to T substitution at nucleotide position 661. The valine at codon 221 is replaced by leucine, an amino acid with highly similar properties. This amino acid position is conserved. In addition, this alteration is predicted to be tolerated by in silico analysis. Based on the available evidence, the clinical significance of this variant remains unclear.

Center for Genomic Medicine, Rigshospitalet, Copenhagen University Hospital
Classification: Uncertain significance. Last evaluated: 2025-03-04. Review status: criteria provided, single submitter. Criteria: ACMG Guidelines, 2015. Collection method: clinical testing. Allele origin: germline.